The following is an entry in ClinVar:

NM_001267550.2(TTN):c.80584del (p.Ser26862fs)

Genes: TTN (titin; minus strand), TTN-AS1 (TTN antisense RNA 1; plus strand). Cytogenetic location: 2q31.2.
Variant type: Deletion.
Coding change: c.80584del on transcript NM_001267550.2 (MANE Select); coding-DNA position 80584, one base deleted (A; older notation c.80584delA).
Protein change: p.Ser26862fs; shifts the reading frame from serine 26862.
Molecular consequence: frameshift variant.
Genome position (GRCh38, 1-based): chr2:178,565,548, T deleted on the plus strand (A on the coding strand, the reverse complement: TTN is on the minus strand); the first of 5 consecutive T bases (chr2:178,565,548-178,565,552); deleting any one gives the same sequence. VCF-style (leftmost placement, unchanged base first): chr2-178565547-CT-C. GRCh37 (hg19) VCF-style: chr2-179430274-CT-C.
Other names: p.Ser25221Alafs*11; c.75661delA (NM_001256850.1); c.75661del, p.Ser25221fs (NM_001256850.1); c.53389del, p.Ser17797fs (NM_003319.4); c.72880del, p.Ser24294fs (NM_133378.4); c.53764del, p.Ser17922fs (NM_133432.3); c.53965del, p.Ser17989fs (NM_133437.4); c.80584del (NM_001267550.1); and 1 more; short protein forms S17989fs, S17797fs, S17922fs, S24294fs, S25221fs, S26862fs.
Identifiers: ClinVar variation 202476 (VCV000202476.18), dbSNP rs794729348, ClinGen allele CA309439.

ClinVar aggregate classification (germline): Pathogenic/Likely pathogenic. Review status: criteria provided, multiple submitters, no conflicts (2 of 4 stars). 4 submissions from 4 submitters: Pathogenic (2); Likely pathogenic (2). Last evaluated 2025-11-30.

Conditions:
Cardiovascular phenotype. Identifiers: MedGen CN230736.
Dilated cardiomyopathy 1G (CMD1G). Identifiers: Orphanet 154, MedGen C1858763, MONDO:0011400, OMIM 604145.
Autosomal recessive limb-girdle muscular dystrophy type 2J (LGMDR10). Also called: MUSCULAR DYSTROPHY, LIMB-GIRDLE, AUTOSOMAL RECESSIVE 10; Limb-girdle muscular dystrophy, type 2J. Identifiers: Orphanet 140922, MedGen C1837342, MONDO:0012127, OMIM 608807.

Submissions (4):

Labcorp Genetics (formerly Invitae), Labcorp
Classification: Pathogenic for Dilated cardiomyopathy 1G; Autosomal recessive limb-girdle muscular dystrophy type 2J. Last evaluated: 2025-11-30. Review status: criteria provided, single submitter. Criteria: Invitae Variant Classification Sherloc (09022015). Collection method: clinical testing. Allele origin: germline.
Comment: This sequence change creates a premature translational stop signal (p.Ser26862Alafs*11) in the TTN gene. While this is not anticipated to result in nonsense mediated decay, it is expected to create a truncated TTN protein. This variant is not present in population databases (gnomAD no frequency). This premature translational stop signal has been observed in individuals with clinical features of dilated cardiomyopathy (internal data). ClinVar contains an entry for this variant (Variation ID: 202476). This variant is located in the A band of TTN (PMID: 25589632). Truncating variants in this region are significantly overrepresented in patients affected with dilated cardiomyopathy (PMID: 25589632). Truncating variants in this region have also been reported in individuals affected with autosomal recessive centronuclear myopathy (PMID: 23975875). For these reasons, this variant has been classified as Pathogenic.

GeneDx
Classification: Pathogenic. Last evaluated: 2025-04-03. Review status: criteria provided, single submitter. Criteria: GeneDx Variant Classification Process June 2021. Collection method: clinical testing. Allele origin: germline. Affected: yes.
Comment: Has not been previously published in association with TTN-related cardiomyopathy to our knowledge; Not observed at significant frequency in large population cohorts (gnomAD); Frameshift variant predicted to result in protein truncation or nonsense mediated decay in a gene for which loss-of-function is a known mechanism of disease; This variant is associated with the following publications: (PMID: 33226272, 22335739, 32778822)

Mayo Clinic Laboratories, Mayo Clinic
Classification: Likely pathogenic. Last evaluated: 2023-02-23. Review status: criteria provided, single submitter. Criteria: ACMG Guidelines, 2015. Collection method: clinical testing. Allele origin: germline. Observed: 1 variant allele.
Comment: PM2_supporting, PVS1

Ambry Genetics
Classification: Likely pathogenic for Cardiovascular phenotype. Last evaluated: 2022-06-24. Review status: criteria provided, single submitter. Criteria: Ambry Variant Classification Scheme 2023. Collection method: clinical testing. Allele origin: germline.
Comment: The c.53389delA variant, located in coding exon 153 of the TTN gene, results from a deletion of one nucleotide at nucleotide position 53389, causing a translational frameshift with a predicted alternate stop codon (p.S17797Afs*11). This exon is located in the A-band region of the N2-B isoform of the titin protein and is constitutively expressed in TTN transcripts (percent spliced in or PSI 100%). This variant is considered to be rare based on population cohorts in the Genome Aggregation Database (gnomAD). This alteration is expected to result in loss of function by premature protein truncation or nonsense-mediated mRNA decay. While truncating variants in TTN are present in 1-3% of the general population, truncating variants in the A-band are the most common cause of dilated cardiomyopathy (DCM) (Herman DS et al. N. Engl. J. Med., 2012 Feb;366:619-28; Roberts AM et al. Sci Transl Med, 2015 Jan;7:270ra6). TTN truncating variants encoded in constitutive exons (PSI >90%) have been found to be significantly associated with DCM regardless of their position in titin (Schafer S et al. Nat. Genet., 2017 01;49:46-53). As such, this alteration is classified as likely pathogenic.

Literature cited by the submitters: PubMed 25589632 (cited by Labcorp Genetics (formerly Invitae), Labcorp); PubMed 23975875 (cited by Labcorp Genetics (formerly Invitae), Labcorp).